The following is an entry in ClinVar:

NM_007294.4(BRCA1):c.17T>A (p.Leu6His)

Gene: BRCA1 (BRCA1 DNA repair associated; minus strand). Cytogenetic location: 17q21.31.
Variant type: single nucleotide variant.
Coding change: c.17T>A on transcript NM_007294.4 (MANE Select); coding-DNA position 17, T replaced by A.
Protein change: p.Leu6His; replaces leucine 6 with histidine.
Molecular consequence: missense variant. On other transcripts: 5 prime UTR variant (1), non-coding transcript variant (1).
Genome position (GRCh38, 1-based): chr17:43,124,080, A>T on the plus strand (T>A on the coding strand, the complement: BRCA1 is on the minus strand). VCF-style: chr17-43124080-A-T. GRCh37 (hg19) VCF-style: chr17-41276097-A-T.
Other names: c.-172T>A (NM_001407571.1, NM_001407853.1, NM_001407879.1 and 46 more transcripts); c.17T>A, p.Leu6His (NM_001407581.1, NM_001407582.1, NM_001407583.1 and 193 more transcripts); c.-241T>A (NM_001407694.1, NM_001407724.1, NM_001407727.1 and 11 more transcripts); c.-245T>A (NM_001407695.1, NM_001408465.1); c.-386T>A (NM_001407696.1); c.-270T>A (NM_001407697.1, NM_001407846.1, NM_001407920.1); c.-71T>A (NM_001407698.1, NM_001407732.1, NM_001407736.1 and 23 more transcripts); c.-244T>A (NM_001407725.1, NM_001407730.1, NM_001407734.1 and 22 more transcripts); and 8 more; short protein forms L6H.
Identifiers: ClinVar variation 869072 (VCV000869072.3), dbSNP rs2055741739, ClinGen allele CA10602126.

Conditions:
Breast-ovarian cancer, familial, susceptibility to, 1 (BROVCA1). Also called: BRCA1 Hereditary Breast and Ovarian Cancer; OVARIAN CANCER, SUSCEPTIBILITY TO. Identifiers: Orphanet 145, MedGen C2676676, MONDO:0011450, OMIM 604370. Disease mechanism: loss of function.

Submission:

Brotman Baty Institute, University of Washington
No classification provided (evidence only). Condition: Breast-ovarian cancer, familial 1. Review status: no classification provided. Collection method: in vitro. Allele origin: not applicable. Functional consequence: functionally_normal.
ClinVar note: "not provided" was previously submitted as the classification for the variant. However, the classification appeared to be based only on an observation of functional data so it was converted to no classification on 2025-07-30.